The following is an entry in ClinVar:

ClinVar aggregate classification (germline): Likely benign. Review status: criteria provided, multiple submitters, no conflicts (2 of 4 stars). 2 submissions from 2 submitters: Likely benign (2). Last evaluated 2026-08-01.

Conditions:
Charcot-Marie-Tooth disease axonal type 2C (HMSN2C). Also called: Charcot-Marie-Tooth Disease Type 2, TRPV4-Related (CMT2C); CHARCOT-MARIE-TOOTH DISEASE, AXONAL, AUTOSOMAL DOMINANT, TYPE 2C; Charcot-Marie-Tooth Neuropathy Type 2C. Identifiers: Orphanet 99937, MedGen C1853710, MONDO:0011633, OMIM 606071.

Allele frequency attached by ClinVar (database versions not stated): gnomAD exomes 0.00001; gnomAD 0.00002; TOPMed 0.00003; ESP Exome Variant Server 0.00015.
gnomAD v4.1: 20 of 1,614,078 alleles (0.0012%); highest among the groups gnomAD compares: African/African-American, 0.0093%; no homozygotes.

Submissions (2):

CeGaT Center for Human Genetics Tuebingen
Classification: Likely benign. Last evaluated: 2026-08-01. Review status: criteria provided, single submitter. Criteria: CeGaT Center For Human Genetics Tuebingen Variant Classification Criteria Version 2. Collection method: clinical testing. Allele origin: germline. Affected: yes. Observed: 1 variant allele.
Comment: TRPV4: BP4, BP7

Labcorp Genetics (formerly Invitae), Labcorp
Classification: Likely benign for Charcot-Marie-Tooth disease axonal type 2C. Last evaluated: 2024-09-23. Review status: criteria provided, single submitter. Criteria: Invitae Variant Classification Sherloc (09022015). Collection method: clinical testing. Allele origin: germline.

NM_021625.5(TRPV4):c.981G>A (p.Ala327=)

Gene: TRPV4 (transient receptor potential cation channel subfamily V member 4; minus strand). Cytogenetic location: 12q24.11.
Variant type: single nucleotide variant.
Coding change: c.981G>A on transcript NM_021625.5 (MANE Select); coding-DNA position 981, G replaced by A.
Protein change: p.Ala327=; no amino-acid change (alanine 327 retained).
Molecular consequence: synonymous variant.
Genome position (GRCh38, 1-based): chr12:109,798,785, C>T on the plus strand (G>A on the coding strand, the complement: TRPV4 is on the minus strand). VCF-style: chr12-109798785-C-T. GRCh37 (hg19) VCF-style: chr12-110236590-C-T.
Other names: c.840G>A, p.Ala280= (NM_001177428.2, NM_001177433.2); c.879G>A, p.Ala293= (NM_001177431.2); c.981G>A, p.Ala327= (NM_147204.3).
Identifiers: ClinVar variation 696374 (VCV000696374.10), dbSNP rs369752825, ClinGen allele CA243467684.
Genomic context (GRCh38, chr12:109,798,785, plus strand): 5'-GTCGTACATCTTGGTAACAAACTTGGTGTTCTCACGGGTGTTGTCAGCAATGGCCACCAG[C>T]GCATGCAGCACTGTGTTGCCTCGCGAGTCCTGGCGCCGCATGTCCGCCTTCTTGTGGGGG-3'
Protein context (NP_067638.3, residues 317-337): QDSRGNTVLH[Ala327=]LVAIADNTRE